The following is an entry in ClinVar:

ClinVar aggregate classification (germline): Pathogenic. Review status: criteria provided, multiple submitters, no conflicts (2 of 4 stars). 3 submissions from 3 submitters: Pathogenic (3). Last evaluated 2024-09-08.

Conditions:
Duchenne muscular dystrophy (DMD). Also called: Duchenne Muscular Dystrophy (DMD); MUSCULAR DYSTROPHY, PSEUDOHYPERTROPHIC PROGRESSIVE, DUCHENNE TYPE. Identifiers: Orphanet 98896, MedGen C0013264, MONDO:0010679, OMIM 310200.

Submissions (3):

Labcorp Genetics (formerly Invitae), Labcorp
Classification: Pathogenic for Duchenne muscular dystrophy. Last evaluated: 2024-09-08. Review status: criteria provided, single submitter. Criteria: Invitae Variant Classification Sherloc (09022015). Collection method: clinical testing. Allele origin: germline.
Comment: This sequence change falls in intron 11 of the DMD gene. It does not directly change the encoded amino acid sequence of the DMD protein. RNA analysis indicates that this variant induces altered splicing and may result in an absent or altered protein product. This variant is not present in population databases (gnomAD no frequency). This variant has been observed in individual(s) with DMD-related muscular dystrophy (PMID: 19959795, 23536893). ClinVar contains an entry for this variant (Variation ID: 94460). Studies have shown that this variant results in multiple out of frame transcripts, and produces a non-functional protein and/or introduces a premature termination codon (PMID: 23536893). For these reasons, this variant has been classified as Pathogenic.

Revvity Omics, Revvity
Classification: Pathogenic. Last evaluated: 2021-10-04. Review status: criteria provided, single submitter. Criteria: ACMG Guidelines, 2015. Collection method: clinical testing. Allele origin: germline.

Eurofins Ntd Llc (ga)
Classification: Pathogenic. Last evaluated: 2016-04-20. Review status: criteria provided, single submitter. Criteria: EGL Classification Definitions 2015. Collection method: clinical testing. Allele origin: germline. Observed: 4 variant alleles, 3 heterozygotes, 1 hemizygote.

Literature cited by the submitters: PubMed 19959795 (cited by Labcorp Genetics (formerly Invitae), Labcorp); PubMed 23536893 (cited by Labcorp Genetics (formerly Invitae), Labcorp).

NM_004006.3(DMD):c.1332-9A>G

Gene: DMD (dystrophin; minus strand). Cytogenetic location: Xp21.1.
Variant type: single nucleotide variant.
Coding change: c.1332-9A>G on transcript NM_004006.3 (MANE Select); 9 bases into the intron before coding-DNA position 1332, A replaced by G.
Molecular consequence: intron variant.
Genome position (GRCh38, 1-based): chrX:32,614,462, T>C on the plus strand (A>G on the coding strand, the complement: DMD is on the minus strand). VCF-style: chrX-32614462-T-C. GRCh37 (hg19) VCF-style: chrX-32632579-T-C.
Other names: c.1308-9A>G (NM_000109.4); c.1320-9A>G (NM_004009.3); c.963-9A>G (NM_004010.3).
Identifiers: ClinVar variation 94460 (VCV000094460.12), dbSNP rs72468700, ClinGen allele CA266883.